The following is an entry in ClinVar:

ClinVar aggregate classification (germline): Uncertain significance. Review status: criteria provided, multiple submitters, no conflicts (2 of 4 stars). 3 submissions from 2 submitters: Uncertain significance (3). Last evaluated 2022-06-22.

Conditions:
Emery-Dreifuss muscular dystrophy 4, autosomal dominant (EDMD4). Also called: EMERY-DREIFUSS MUSCULAR DYSTROPHY 4 WITH VARIABLE FEATURES. Identifiers: Orphanet 261, MedGen C2751807, MONDO:0013071, OMIM 612998.
Autosomal recessive ataxia, Beauce type. Also called: ATAXIA, RECESSIVE, OF BEAUCE; SYNE1 Deficiency; SYNE1-Related Autosomal Recessive Cerebellar Ataxia; Spinocerebellar ataxia, autosomal recessive 8. Identifiers: Orphanet 88644, MedGen C1853116, MONDO:0012549, OMIM 610743.

Allele frequency attached by ClinVar (database versions not stated): gnomAD exomes 0.00002.
gnomAD v4.1: 31 of 1,612,964 alleles (0.0019%); highest among the groups gnomAD compares: East Asian, 0.062%; no homozygotes.

Submissions (3):

Labcorp Genetics (formerly Invitae), Labcorp
Classification: Uncertain significance for Emery-Dreifuss muscular dystrophy 4, autosomal dominant; Autosomal recessive ataxia, Beauce type. Last evaluated: 2022-06-22. Review status: criteria provided, single submitter. Criteria: Invitae Variant Classification Sherloc (09022015). Collection method: clinical testing. Allele origin: germline.
Comment: In summary, the available evidence is currently insufficient to determine the role of this variant in disease. Therefore, it has been classified as a Variant of Uncertain Significance. Algorithms developed to predict the effect of missense changes on protein structure and function are either unavailable or do not agree on the potential impact of this missense change (SIFT: "Deleterious"; PolyPhen-2: "Possibly Damaging"; Align-GVGD: "Class C0"). ClinVar contains an entry for this variant (Variation ID: 906092). This variant has not been reported in the literature in individuals affected with SYNE1-related conditions. This variant is present in population databases (rs144274149, gnomAD 0.006%). This sequence change replaces isoleucine, which is neutral and non-polar, with methionine, which is neutral and non-polar, at codon 4047 of the SYNE1 protein (p.Ile4047Met).

Illumina Laboratory Services, Illumina
Classification: Uncertain significance for Autosomal recessive ataxia, Beauce type. Last evaluated: 2018-01-13. Review status: criteria provided, single submitter. Criteria: ICSL Variant Classification Criteria 13 December 2019. Collection method: clinical testing. Allele origin: germline.

Illumina Laboratory Services, Illumina
Classification: Uncertain significance for Emery-Dreifuss muscular dystrophy 4, autosomal dominant. Last evaluated: 2018-01-13. Review status: criteria provided, single submitter. Criteria: ICSL Variant Classification Criteria 13 December 2019. Collection method: clinical testing. Allele origin: germline.

NM_182961.4(SYNE1):c.12354T>G (p.Ile4118Met)

Gene: SYNE1 (spectrin repeat containing nuclear envelope protein 1; minus strand). Cytogenetic location: 6q25.2.
Variant type: single nucleotide variant.
Coding change: c.12354T>G on transcript NM_182961.4 (MANE Select); coding-DNA position 12354, T replaced by G.
Protein change: p.Ile4118Met; replaces isoleucine 4118 with methionine.
Molecular consequence: missense variant.
Genome position (GRCh38, 1-based): chr6:152,337,015, A>C on the plus strand (T>G on the coding strand, the complement: SYNE1 is on the minus strand). VCF-style: chr6-152337015-A-C. GRCh37 (hg19) VCF-style: chr6-152658150-A-C.
Other names: c.12141T>G, p.Ile4047Met (NM_033071.5); short protein forms I4047M, I4118M.
Identifiers: ClinVar variation 906092 (VCV000906092.8), dbSNP rs144274149, ClinGen allele CA4056408.